The following is an entry in ClinVar:

ClinVar aggregate classification (germline): Uncertain significance (1 of 4 stars; one submission).

Conditions:
Hereditary cancer-predisposing syndrome. Also called: Neoplastic Syndromes, Hereditary; Tumor predisposition; Hereditary Cancer Syndrome; Hereditary neoplastic syndrome. Identifiers: Orphanet 140162, MedGen C0027672, MeSH D009386, MONDO:0015356.

Submission:

Color Diagnostics, LLC DBA Color Health
Classification: Uncertain significance for Hereditary cancer-predisposing syndrome. Last evaluated: 2019-11-12. Review status: criteria provided, single submitter. Criteria: ACMG Guidelines, 2015. Collection method: clinical testing. Allele origin: germline.
Comment: This missense variant replaces serine with cysteine at codon 536 of the MSH6 protein. Computational prediction tool suggests that this variant may not impact protein structure and function (internally defined REVEL score threshold ≤0.5, PMID: 27666373). Splice site prediction tools suggest that this variant may not impact RNA splicing. To our knowledge, functional studies have not been performed for this variant. This variant has not been reported in individuals affected with hereditary cancer in the literature. This variant has not been identified in the general population by the Genome Aggregation Database (gnomAD). The available evidence is insufficient to determine the role of this variant in disease conclusively. Therefore, this variant is classified as a Variant of Uncertain Significance.

NM_000179.3(MSH6):c.1606A>T (p.Ser536Cys)

Gene: MSH6 (mutS homolog 6; plus strand). Cytogenetic location: 2p16.3.
Variant type: single nucleotide variant.
Coding change: c.1606A>T on transcript NM_000179.3 (MANE Select); coding-DNA position 1606, A replaced by T.
Protein change: p.Ser536Cys; replaces serine 536 with cysteine.
Molecular consequence: missense variant.
Genome position (GRCh38, 1-based): chr2:47,799,589, A>T. VCF-style: chr2-47799589-A-T. GRCh37 (hg19) VCF-style: chr2-48026728-A-T.
Other names: c.1216A>T, p.Ser406Cys (NM_001281492.2); c.700A>T, p.Ser234Cys (NM_001281493.2, NM_001281494.2); short protein forms S406C, S536C, S234C.
Identifiers: ClinVar variation 924389 (VCV000924389.3), dbSNP rs765983691, ClinGen allele CA346746989.